The following is an entry in ClinVar:

ClinVar aggregate classification (germline): Uncertain significance. Review status: criteria provided, multiple submitters, no conflicts (2 of 4 stars). 3 submissions from 3 submitters: Uncertain significance (3). Last evaluated 2024-10-25.

Conditions:
Cardiomyopathy (CMYO). Also called: Cardiomyopathies. Identifiers: Orphanet 167848, MedGen C0878544, MONDO:0004994, HP:0001638. Inheritance: Various modes of inheritance.
Hypertrophic cardiomyopathy 11. Also called: ACTC1-Related Familial Hypertrophic Cardiomyopathy. Identifiers: MedGen C2677506, MONDO:0012799, OMIM 612098.
Cardiovascular phenotype. Identifiers: MedGen CN230736.

Allele frequency attached by ClinVar (database versions not stated): gnomAD exomes below 0.00001.
gnomAD v4.1: 1 of 1,614,160 alleles (0.000062%); no homozygotes.

Submissions (3):

Ambry Genetics
Classification: Uncertain significance for Cardiovascular phenotype. Last evaluated: 2024-10-25. Review status: criteria provided, single submitter. Criteria: Ambry Variant Classification Scheme 2023. Collection method: clinical testing. Allele origin: germline.
Comment: The p.Y93C variant (also known as c.278A>G), located in coding exon 2 of the ACTC1 gene, results from an A to G substitution at nucleotide position 278. The tyrosine at codon 93 is replaced by cysteine, an amino acid with highly dissimilar properties. This variant has been detected in individuals with features consistent with hypertrophic cardiomyopathy (Ingles J et al. Circ Cardiovasc Genet, 2017 Apr;10; Ambry internal data). This amino acid position is highly conserved in available vertebrate species. In addition, this alteration is predicted to be deleterious by in silico analysis. Based on the available evidence, the clinical significance of this variant remains unclear.

Color Diagnostics, LLC DBA Color Health
Classification: Uncertain significance for Cardiomyopathy. Last evaluated: 2019-02-04. Review status: criteria provided, single submitter. Criteria: ACMG Guidelines, 2015. Collection method: clinical testing. Allele origin: germline.
Comment: Variant of Uncertain Significance due to insufficient evidence: This missense variant replaces tyrosine with cysteine at codon 93 of the ACTC1 protein. Computational prediction tools and conservation analyses suggest that this variant may have deleterious impact on the protein function. Computational splicing tools suggest that this variant may not impact RNA splicing. To our knowledge, functional assays have not been performed for this variant nor has this variant been reported in individuals affected with cardiovascular disorders in the literature. This variant is rare in the general population and has been identified in 0/277264 chromosomes by the Genome Aggregation Database (gnomAD). Available evidence is insufficient to determine the role of this variant in disease conclusively.

Agnes Ginges Centre for Molecular Cardiology, Centenary Institute
Classification: Uncertain significance for Hypertrophic cardiomyopathy 11. Last evaluated: 2018-08-24. Review status: criteria provided, single submitter. Criteria: ACMG Guidelines, 2015. Collection method: research. Allele origin: germline. Inheritance: Autosomal dominant inheritance. Affected: yes.
Comment: The ACTC1 Tyr93Cys is a novel and rare variant. It is absent in the Genome Aggregation Database. Computational tools SIFT, PolyPhen-2 and MutationTaster predict this variant to be deleterious. In summary, based on rarity in general populations and our limited familial data, we classify ACTC1 Tyr93Cys as a variant of "uncertain significance".

Literature cited by the submitters: PubMed 28408708 (cited by Ambry Genetics and Agnes Ginges Centre for Molecular Cardiology, Centenary Institute).

NM_005159.5(ACTC1):c.278A>G (p.Tyr93Cys)

Genes: ACTC1 (actin alpha cardiac muscle 1; minus strand), GJD2-DT (GJD2 divergent transcript; plus strand). Cytogenetic location: 15q14.
Variant type: single nucleotide variant.
Coding change: c.278A>G on transcript NM_005159.5 (MANE Select); coding-DNA position 278, A replaced by G.
Protein change: p.Tyr93Cys; replaces tyrosine 93 with cysteine.
Molecular consequence: missense variant.
Genome position (GRCh38, 1-based): chr15:34,793,421, T>C on the plus strand (A>G on the coding strand, the complement: ACTC1 is on the minus strand). VCF-style: chr15-34793421-T-C. GRCh37 (hg19) VCF-style: chr15-35085622-T-C.
Other names: short protein forms Y93C.
Identifiers: ClinVar variation 810747 (VCV000810747.5), dbSNP rs1595761404, ClinGen allele CA391631596.